The following is an entry in ClinVar:

ClinVar aggregate classification (germline): Benign/Likely benign. Review status: criteria provided, multiple submitters, no conflicts (2 of 4 stars). 5 submissions from 5 submitters: Benign (1); Likely benign (4). Last evaluated 2026-06-01.

Conditions:
Inborn genetic diseases. Identifiers: MedGen C0950123, MeSH D030342.
Hereditary insensitivity to pain with anhidrosis (CIPA). Also called: hereditary sensory and autonomic neuropathy type 4; INSENSITIVITY TO PAIN, CONGENITAL, WITH ANHIDROSIS; NTRK1 Congenital Insensitivity to Pain with Anhidrosis; HSAN Type IV; FAMILIAL DYSAUTONOMIA, TYPE II; NEUROPATHY, CONGENITAL SENSORY, WITH ANHIDROSIS. Identifiers: Orphanet 642, MedGen C0020074, MONDO:0009746, OMIM 256800.

Allele frequency attached by ClinVar (database versions not stated): gnomAD 0.00011 and 0.00012; gnomAD exomes 0.00012 and 0.00056; TOPMed 0.00020; ExAC 0.00041.
gnomAD v4.1: 188 of 1,611,878 alleles (0.012%); highest among the groups gnomAD compares: Admixed American, 0.3%; 1 homozygote.

Submissions (5):

CeGaT Center for Human Genetics Tuebingen
Classification: Likely benign. Last evaluated: 2026-06-01. Review status: criteria provided, single submitter. Criteria: CeGaT Center For Human Genetics Tuebingen Variant Classification Criteria Version 2. Collection method: clinical testing. Allele origin: germline. Affected: yes. Observed: 2 variant alleles.
Comment: NTRK1: BP4, BP7

Labcorp Genetics (formerly Invitae), Labcorp
Classification: Benign for Hereditary insensitivity to pain with anhidrosis. Last evaluated: 2026-01-28. Review status: criteria provided, single submitter. Criteria: Invitae Variant Classification Sherloc (09022015). Collection method: clinical testing. Allele origin: germline.

Genome-Nilou Lab
Classification: Likely benign for Hereditary insensitivity to pain with anhidrosis. Last evaluated: 2023-04-11. Review status: criteria provided, single submitter. Criteria: ACMG Guidelines, 2015. Collection method: clinical testing. Allele origin: germline. Affected: no.

Ambry Genetics
Classification: Likely benign for Inborn genetic diseases. Last evaluated: 2019-07-11. Review status: criteria provided, single submitter. Criteria: Ambry Variant Classification Scheme 2023. Collection method: clinical testing. Allele origin: germline.

GeneDx
Classification: Likely benign. Last evaluated: 2017-09-22. Review status: criteria provided, single submitter. Criteria: GeneDx Variant Classification (06012015). Collection method: clinical testing. Allele origin: germline. Affected: yes.
Comment: This variant is considered likely benign or benign based on one or more of the following criteria: it is a conservative change, it occurs at a poorly conserved position in the protein, it is predicted to be benign by multiple in silico algorithms, and/or has population frequency not consistent with disease.

NM_002529.4(NTRK1):c.1257G>A (p.Ser419=)

Gene: NTRK1 (neurotrophic receptor tyrosine kinase 1; plus strand). Cytogenetic location: 1q23.1.
Variant type: single nucleotide variant.
Coding change: c.1257G>A on transcript NM_002529.4 (MANE Select); coding-DNA position 1257, G replaced by A.
Protein change: p.Ser419=; no amino-acid change (serine 419 retained).
Molecular consequence: synonymous variant.
Genome position (GRCh38, 1-based): chr1:156,874,911, G>A. VCF-style: chr1-156874911-G-A. GRCh37 (hg19) VCF-style: chr1-156844703-G-A.
Other names: c.1149G>A, p.Ser383= (NM_001007792.1); c.1239G>A, p.Ser413= (NM_001012331.2).
Identifiers: ClinVar variation 516394 (VCV000516394.20), dbSNP rs750968694, ClinGen allele CA1169270.